The following is an entry in ClinVar:

NM_033109.5(PNPT1):c.454G>A (p.Val152Ile)

Gene: PNPT1 (polyribonucleotide nucleotidyltransferase 1; minus strand). Cytogenetic location: 2p16.1.
Variant type: single nucleotide variant.
Coding change: c.454G>A on transcript NM_033109.5 (MANE Select); coding-DNA position 454, G replaced by A.
Protein change: p.Val152Ile; replaces valine 152 with isoleucine.
Molecular consequence: missense variant.
Genome position (GRCh38, 1-based): chr2:55,680,918, C>T on the plus strand (G>A on the coding strand, the complement: PNPT1 is on the minus strand). VCF-style: chr2-55680918-C-T. GRCh37 (hg19) VCF-style: chr2-55908053-C-T.
Other names: short protein forms V152I.
Identifiers: ClinVar variation 1460520 (VCV001460520.8), dbSNP rs2104157411, ClinGen allele CA346938968.

ClinVar aggregate classification (germline): Uncertain significance (1 of 4 stars; one submission).

Submission:

Labcorp Genetics (formerly Invitae), Labcorp
Classification: Uncertain significance. Last evaluated: 2021-06-16. Review status: criteria provided, single submitter. Criteria: Invitae Variant Classification Sherloc (09022015). Collection method: clinical testing. Allele origin: germline.
Comment: In summary, the available evidence is currently insufficient to determine the role of this variant in disease. Therefore, it has been classified as a Variant of Uncertain Significance. Algorithms developed to predict the effect of missense changes on protein structure and function output the following: SIFT: "Tolerated"; PolyPhen-2: "Benign"; Align-GVGD: "Class C0". The isoleucine amino acid residue is found in multiple mammalian species, suggesting that this missense change does not adversely affect protein function. These predictions have not been confirmed by published functional studies and their clinical significance is uncertain. This variant has not been reported in the literature in individuals with PNPT1-related conditions. This variant is not present in population databases (ExAC no frequency). This sequence change replaces valine with isoleucine at codon 152 of the PNPT1 protein (p.Val152Ile). The valine residue is moderately conserved and there is a small physicochemical difference between valine and isoleucine.